The following is an entry in ClinVar:

NM_033087.4(ALG2):c.446C>A (p.Ser149Tyr)

Gene: ALG2 (ALG2 alpha-1,3/1,6-mannosyltransferase; minus strand). Cytogenetic location: 9q22.33.
Variant type: single nucleotide variant.
Coding change: c.446C>A on transcript NM_033087.4 (MANE Select); coding-DNA position 446, C replaced by A.
Protein change: p.Ser149Tyr; replaces serine 149 with tyrosine.
Molecular consequence: missense variant. On other transcripts: non-coding transcript variant (1).
Genome position (GRCh38, 1-based): chr9:99,218,739, G>T on the plus strand (C>A on the coding strand, the complement: ALG2 is on the minus strand). VCF-style: chr9-99218739-G-T. GRCh37 (hg19) VCF-style: chr9-101981021-G-T.
Other names: short protein forms S149Y.
Identifiers: ClinVar variation 654848 (VCV000654848.6), dbSNP rs1350412580, ClinGen allele CA374229383.

ClinVar aggregate classification (germline): Uncertain significance (1 of 4 stars; one submission).

Conditions:
Congenital disorder of glycosylation, type Ii. Also called: CDG Ii; ALG2-congenital disorder of glycosylation; ALG2-CDG. Identifiers: Orphanet 79326, MedGen C1842836, MONDO:0011933, OMIM 607906.
Congenital myasthenic syndrome 14. Also called: Myasthenic syndrome, congenital, 14, with tubular aggregates. Identifiers: Orphanet 353327, Orphanet 590, MedGen C4015597, MONDO:0014543, OMIM 616228.

Allele frequency attached by ClinVar (database versions not stated): TOPMed below 0.00001; gnomAD exomes below 0.00001.
gnomAD v4.1: 1 of 1,613,894 alleles (0.000062%); highest among the groups gnomAD compares: Admixed American, 0.0017%; no homozygotes.

Submission:

Labcorp Genetics (formerly Invitae), Labcorp
Classification: Uncertain significance for Congenital disorder of glycosylation, type Ii; Congenital myasthenic syndrome 14. Last evaluated: 2022-06-04. Review status: criteria provided, single submitter. Criteria: Invitae Variant Classification Sherloc (09022015). Collection method: clinical testing. Allele origin: germline.
Comment: This variant has not been reported in the literature in individuals affected with ALG2-related conditions. In summary, the available evidence is currently insufficient to determine the role of this variant in disease. Therefore, it has been classified as a Variant of Uncertain Significance. Algorithms developed to predict the effect of missense changes on protein structure and function are either unavailable or do not agree on the potential impact of this missense change (SIFT: "Tolerated"; PolyPhen-2: "Probably Damaging"; Align-GVGD: "Class C25"). ClinVar contains an entry for this variant (Variation ID: 654848). This variant is present in population databases (no rsID available, gnomAD 0.003%). This sequence change replaces serine, which is neutral and polar, with tyrosine, which is neutral and polar, at codon 149 of the ALG2 protein (p.Ser149Tyr).